The following is an entry in ClinVar:

NM_018297.4(NGLY1):c.1764_1785del (p.Asp588fs)

Gene: NGLY1 (N-glycanase 1; minus strand). Cytogenetic location: 3p24.2.
Variant type: Deletion.
Coding change: c.1764_1785del on transcript NM_018297.4 (MANE Select); coding-DNA positions 1764 to 1785, 22 bases deleted (TACAGCACAAGTAGAACTGACA).
Protein change: p.Asp588fs; shifts the reading frame from aspartic acid 588.
Molecular consequence: frameshift variant. On other transcripts: intron variant (1).
Genome position (GRCh38, 1-based): chr3:25,720,018-25,720,039, TGTCAGTTCTACTTGTGCTGTA deleted on the plus strand (TACAGCACAAGTAGAACTGACA on the coding strand, the reverse complement: NGLY1 is on the minus strand); deleting any 22 consecutive bases within chr3:25,720,018-25,720,040 gives the same sequence; the c. name uses the placement nearest the transcript's 3' end. VCF-style (leftmost placement, unchanged base first): chr3-25720017-CTGTCAGTTCTACTTGTGCTGTA-C. GRCh37 (hg19) VCF-style: chr3-25761508-CTGTCAGTTCTACTTGTGCTGTA-C.
Other names: c.1710_1731del, p.Asp570fs (NM_001145293.2); c.1638_1659del, p.Asp546fs (NM_001145294.2); c.1612-404_1612-383del (NM_001145295.2); short protein forms D546fs, D570fs, D588fs.
Identifiers: ClinVar variation 1324809 (VCV001324809.9), dbSNP rs2125442722, ClinGen allele CA2573052135.

ClinVar aggregate classification (germline): Pathogenic/Likely pathogenic. Review status: criteria provided, multiple submitters, no conflicts (2 of 4 stars). 4 submissions from 4 submitters: Pathogenic (2); Likely pathogenic (2). Last evaluated 2024-01-10.

Conditions:
Congenital disorder of deglycosylation 1. Also called: NGLY1-Related Congenital Disorder of Deglycosylation; NGLY1-deficiency. Identifiers: Orphanet 404454, MedGen CN306977, MONDO:0800044, OMIM 615273.
Congenital disorder of deglycosylation (CDDG). Identifiers: MedGen C3808991, MONDO:0031376.

Submissions (4):

Illumina Laboratory Services, Illumina
Classification: Likely pathogenic for Congenital disorder of deglycosylation 1. Last evaluated: 2024-01-10. Review status: criteria provided, single submitter. Criteria: ICSLVariantClassificationCriteria RUGD 01 April 2020. Collection method: clinical testing. Allele origin: unknown.
Comment: The NGLY1 c.1764_1785del (p.Asp588GlufsTer24) variant causes a shift in the protein reading frame that is predicted to result in premature termination of the protein. This variant occurs in the last 50 bp of the penultimate exon of the gene and may result in a transcript which escapes nonsense-mediated mRNA decay. Protein-truncating variants downstream of this variant have been reported in affected individuals (PMID: 35406718). This variant is predicted to disrupt the PAW domain, which binds to high-mannose structures on the retrotranslocated or misfolded glycoproteins. This variant is not observed at a significant frequency in version 2.1.1 or version 4.0.0 of of the Genome Aggregation Database. Based on the available evidence, the c.1764_1785del (p.Asp588GlufsTer24) variant is classified as likely pathogenic for NGLY1-related congenital disorder of deglycosylation.

Labcorp Genetics (formerly Invitae), Labcorp
Classification: Pathogenic for Congenital disorder of deglycosylation. Last evaluated: 2023-10-29. Review status: criteria provided, single submitter. Criteria: Invitae Variant Classification Sherloc (09022015). Collection method: clinical testing. Allele origin: germline.
Comment: This sequence change creates a premature translational stop signal (p.Asp588Glufs*24) in the NGLY1 gene. While this is not anticipated to result in nonsense mediated decay, it is expected to disrupt the last 67 amino acid(s) of the NGLY1 protein. This variant is not present in population databases (gnomAD no frequency). This variant has not been reported in the literature in individuals affected with NGLY1-related conditions. ClinVar contains an entry for this variant (Variation ID: 1324809). This variant disrupts a region of the NGLY1 protein in which other variant(s) (p.Gln631Serfs*7) have been determined to be pathogenic (PMID: 24651605, 25900930, 30740912). This suggests that this is a clinically significant region of the protein, and that variants that disrupt it are likely to be disease-causing. For these reasons, this variant has been classified as Pathogenic.

Baylor Genetics
Classification: Pathogenic for Congenital disorder of deglycosylation 1. Last evaluated: 2023-09-08. Review status: criteria provided, single submitter. Criteria: ACMG Guidelines, 2015. Collection method: clinical testing. Allele origin: unknown.

Revvity Omics, Revvity
Classification: Likely pathogenic for Congenital disorder of deglycosylation 1. Last evaluated: 2021-05-14. Review status: criteria provided, single submitter. Criteria: ACMG Guidelines, 2015. Collection method: clinical testing. Allele origin: germline.

Literature cited by the submitters: PubMed 35406718 (cited by Illumina Laboratory Services, Illumina); PubMed 24651605 (cited by Labcorp Genetics (formerly Invitae), Labcorp); PubMed 25900930 (cited by Labcorp Genetics (formerly Invitae), Labcorp); PubMed 30740912 (cited by Labcorp Genetics (formerly Invitae), Labcorp).